The following is an entry in ClinVar:

NM_005996.4(TBX3):c.-331T>C

Genes: TBX3-AS1 (TBX3 antisense RNA 1; plus strand), TBX3 (T-box transcription factor 3; minus strand). Cytogenetic location: 12q24.21.
Variant type: single nucleotide variant.
Coding change: c.-331T>C on transcript NM_005996.4 (MANE Select); 331 bases upstream of the start codon, T replaced by C.
Molecular consequence: 5 prime UTR variant.
Genome position (GRCh38, 1-based): chr12:114,683,531, A>G on the plus strand (T>C on the coding strand, the complement: TBX3 is on the minus strand). VCF-style: chr12-114683531-A-G. GRCh37 (hg19) VCF-style: chr12-115121336-A-G.
Other names: c.-331T>C (NM_016569.4).
Identifiers: ClinVar variation 307389 (VCV000307389.5), dbSNP rs562724016, ClinGen allele CA10636586.

ClinVar aggregate classification (germline): Benign (1 of 4 stars; one submission).

Conditions:
Ulnar-mammary syndrome (UMS). Also called: SCHINZEL SYNDROME; Ulnar-mammary syndrome of Pallister; PALLISTER ULNAR-MAMMARY SYNDROME. Identifiers: Orphanet 3138, MedGen C1866994, MONDO:0008411, OMIM 181450.

Allele frequency attached by ClinVar (database versions not stated): gnomAD 0.00004 and 0.00009; TOPMed 0.00006; 1000 Genomes Project 30x 0.00062; gnomAD exomes 0.00066; 1000 Genomes Project 0.00080.
gnomAD v4.1: 153 of 368,546 alleles (0.042%); highest among the groups gnomAD compares: East Asian, 0.65%; 3 homozygotes.

Submission:

Illumina Laboratory Services, Illumina
Classification: Benign for Ulnar-mammary syndrome. Last evaluated: 2018-01-12. Review status: criteria provided, single submitter. Criteria: ICSL Variant Classification Criteria 13 December 2019. Collection method: clinical testing. Allele origin: germline.
Comment: This variant was observed in the ICSL laboratory as part of a predisposition screen in an ostensibly healthy population. It had not been previously curated by ICSL or reported in the Human Gene Mutation Database (HGMD: prior to June 1st, 2018), and was therefore a candidate for classification through an automated scoring system. Utilizing variant allele frequency, disease prevalence and penetrance estimates, and inheritance mode, an automated score was calculated to assess if this variant is too frequent to cause the disease. Based on the score and internal cut-off values, a variant classified as benign is not then subjected to further curation. The score for this variant resulted in a classification of benign for this disease.